The following is an entry in ClinVar:

NM_031407.7(HUWE1):c.12362A>G (p.Asn4121Ser)

Gene: HUWE1 (HECT, UBA and WWE domain containing E3 ubiquitin protein ligase 1; minus strand). Cytogenetic location: Xp11.22.
Variant type: single nucleotide variant.
Coding change: c.12362A>G on transcript NM_031407.7 (MANE Select); coding-DNA position 12362, A replaced by G.
Protein change: p.Asn4121Ser; replaces asparagine 4121 with serine.
Molecular consequence: missense variant.
Genome position (GRCh38, 1-based): chrX:53,536,443, T>C on the plus strand (A>G on the coding strand, the complement: HUWE1 is on the minus strand). VCF-style: chrX-53536443-T-C. GRCh37 (hg19) VCF-style: chrX-53563404-T-C.
Other names: short protein forms N4121S.
Identifiers: ClinVar variation 3901559 (VCV003901559.1).

ClinVar aggregate classification (germline): Uncertain significance (1 of 4 stars; one submission).

gnomAD v4.1: 1 of 1,210,899 alleles (0.000083%); highest among the groups gnomAD compares: Non-Finnish European, 0.00011%; no homozygotes.

Submission:

GeneDx
Classification: Uncertain significance. Last evaluated: 2024-12-02. Review status: criteria provided, single submitter. Criteria: GeneDx Variant Classification Process June 2021. Collection method: clinical testing. Allele origin: germline. Affected: yes.
Comment: Not observed at significant frequency in large population cohorts (gnomAD); In silico analysis supports that this missense variant has a deleterious effect on protein structure/function; Has not been previously published as pathogenic or benign to our knowledge